The following is an entry in ClinVar:

NM_001042492.3(NF1):c.4026G>A (p.Met1342Ile)

Gene: NF1 (neurofibromin 1; plus strand). Cytogenetic location: 17q11.2.
Variant type: single nucleotide variant.
Coding change: c.4026G>A on transcript NM_001042492.3 (MANE Select); coding-DNA position 4026, G replaced by A.
Protein change: p.Met1342Ile; replaces methionine 1342 with isoleucine.
Molecular consequence: missense variant.
Genome position (GRCh38, 1-based): chr17:31,249,035, G>A. VCF-style: chr17-31249035-G-A. GRCh37 (hg19) VCF-style: chr17-29576053-G-A.
Other names: c.4026G>A, p.Met1342Ile (NM_000267.4); short protein forms M1342I.
Identifiers: ClinVar variation 859582 (VCV000859582.6), dbSNP rs2067449278, ClinGen allele CA398994916.

ClinVar aggregate classification (germline): Uncertain significance (1 of 4 stars; one submission).

Conditions:
Neurofibromatosis, type 1 (NF1). Also called: Neurofibromatosis, type I; VON RECKLINGHAUSEN DISEASE; Peripheral type neurofibromatosis; NEUROFIBROMATOSIS, TYPE I, SOMATIC. Identifiers: Orphanet 636, MedGen C0027831, MONDO:0018975, OMIM 162200. Disease mechanism: loss of function.

Submission:

Labcorp Genetics (formerly Invitae), Labcorp
Classification: Uncertain significance for Neurofibromatosis, type 1. Last evaluated: 2025-10-19. Review status: criteria provided, single submitter. Criteria: Invitae Variant Classification Sherloc (09022015). Collection method: clinical testing. Allele origin: germline.
Comment: This sequence change replaces methionine, which is neutral and non-polar, with isoleucine, which is neutral and non-polar, at codon 1342 of the NF1 protein (p.Met1342Ile). This variant is not present in population databases (gnomAD no frequency). This variant has not been reported in the literature in individuals affected with NF1-related conditions. ClinVar contains an entry for this variant (Variation ID: 859582). Invitae Evidence Modeling of protein sequence and biophysical properties (such as structural, functional, and spatial information, amino acid conservation, physicochemical variation, residue mobility, and thermodynamic stability) indicates that this missense variant is not expected to disrupt NF1 protein function with a negative predictive value of 95%. In summary, the available evidence is currently insufficient to determine the role of this variant in disease. Therefore, it has been classified as a Variant of Uncertain Significance.